The following is an entry in ClinVar:

ClinVar aggregate classification (germline): Likely benign (1 of 4 stars; one submission).

Submission:

GeneDx
Classification: Likely benign. Last evaluated: 2016-03-15. Review status: criteria provided, single submitter. Criteria: GeneDx Variant Classification (06012015). Collection method: clinical testing. Allele origin: germline. Affected: yes.
Comment: This variant is considered likely benign or benign based on one or more of the following criteria: it is a conservative change, it occurs at a poorly conserved position in the protein, it is predicted to be benign by multiple in silico algorithms, and/or has population frequency not consistent with disease.

NM_001128178.3(NPHP1):c.267G>A (p.Leu89=)

Gene: NPHP1 (nephrocystin 1; minus strand). Cytogenetic location: 2q13.
Variant type: single nucleotide variant.
Coding change: c.267G>A on transcript NM_001128178.3 (MANE Select); coding-DNA position 267, G replaced by A.
Protein change: p.Leu89=; no amino-acid change (leucine 89 retained).
Molecular consequence: synonymous variant. On other transcripts: intron variant (1).
Genome position (GRCh38, 1-based): chr2:110,178,485, C>T on the plus strand (G>A on the coding strand, the complement: NPHP1 is on the minus strand). VCF-style: chr2-110178485-C-T. GRCh37 (hg19) VCF-style: chr2-110936062-C-T.
Other names: c.267G>A, p.Leu89= (NM_000272.5, NM_001374256.1, NM_001374257.1 and 1 more transcripts); c.144-8487G>A (NM_001128179.3).
Identifiers: ClinVar variation 384306 (VCV000384306.1), dbSNP rs1057521917, ClinGen allele CA16603733.